The following is an entry in ClinVar:

ClinVar aggregate classification (germline): Uncertain significance (1 of 4 stars; one submission).

Allele frequency attached by ClinVar (database versions not stated): gnomAD exomes below 0.00001; ExAC 0.00001; ESP Exome Variant Server 0.00008.

Submission:

Labcorp Genetics (formerly Invitae), Labcorp
Classification: Uncertain significance. Last evaluated: 2024-01-17. Review status: criteria provided, single submitter. Criteria: Invitae Variant Classification Sherloc (09022015). Collection method: clinical testing. Allele origin: germline.
Comment: This sequence change replaces arginine, which is basic and polar, with tryptophan, which is neutral and slightly polar, at codon 303 of the MOCS3 protein (p.Arg303Trp). This variant is present in population databases (rs368399249, gnomAD 0.007%). This variant has not been reported in the literature in individuals affected with MOCS3-related conditions. An algorithm developed to predict the effect of missense changes on protein structure and function (PolyPhen-2) suggests that this variant is likely to be tolerated. In summary, the available evidence is currently insufficient to determine the role of this variant in disease. Therefore, it has been classified as a Variant of Uncertain Significance.

NM_014484.5(MOCS3):c.907C>T (p.Arg303Trp)

Gene: MOCS3 (molybdenum cofactor synthesis 3; plus strand). Cytogenetic location: 20q13.13.
Variant type: single nucleotide variant.
Coding change: c.907C>T on transcript NM_014484.5 (MANE Select); coding-DNA position 907, C replaced by T.
Protein change: p.Arg303Trp; replaces arginine 303 with tryptophan.
Molecular consequence: missense variant.
Genome position (GRCh38, 1-based): chr20:50,959,749, C>T. VCF-style: chr20-50959749-C-T. GRCh37 (hg19) VCF-style: chr20-49576286-C-T.
Other names: short protein forms R303W.
Identifiers: ClinVar variation 2788506 (VCV002788506.3), dbSNP rs368399249, ClinGen allele CA9909502.